The following is an entry in ClinVar:

NM_000474.4(TWIST1):c.480C>A (p.Tyr160Ter)

Genes: TWIST1 (twist family bHLH transcription factor 1; minus strand), LOC129998021 (ATAC-STARR-seq lymphoblastoid active region 25682; plus strand). Cytogenetic location: 7p21.1.
Variant type: single nucleotide variant.
Coding change: c.480C>A on transcript NM_000474.4 (MANE Select); coding-DNA position 480, C replaced by A.
Protein change: p.Tyr160Ter; replaces tyrosine 160 with a stop codon.
Molecular consequence: nonsense. On other transcripts: non-coding transcript variant (1).
Genome position (GRCh38, 1-based): chr7:19,116,842, G>T on the plus strand (C>A on the coding strand, the complement: TWIST1 is on the minus strand). VCF-style: chr7-19116842-G-T. GRCh37 (hg19) VCF-style: chr7-19156465-G-T.
Other names: short protein forms Y160*.
Identifiers: ClinVar variation 3760234 (VCV003760234.2).
Genomic context (GRCh38, chr7:19,116,842, plus strand): 5'-GTGAGCCACATAGCTGCAGCTTGCCATCTTGGAGTCCAGCTCGTCGCTCTGGAGGACCTG[G>T]TAGAGGAAGTCGATGTACCTGGCCGCCAGCTTGAGGGTCTGAATCTTGCTCAGCTTGTCC-3'

ClinVar aggregate classification (germline): Pathogenic (1 of 4 stars; one submission).

Conditions:
TWIST1-related craniosynostosis (CRS1). Also called: CRANIOSYNOSTOSIS 1. Identifiers: Orphanet 63440, MedGen C4551902, MONDO:0007399, OMIM 123100. Inheritance: Heterogenous inheritance pattern.
Saethre-Chotzen syndrome (SCS). Also called: ACROCEPHALY, SKULL ASYMMETRY, AND MILD SYNDACTYLY; ACS III; CHOTZEN SYNDROME. Identifiers: Orphanet 794, MedGen C0175699, MONDO:0007042, OMIM 101400.

Submission:

Labcorp Genetics (formerly Invitae), Labcorp
Classification: Pathogenic for TWIST1-related craniosynostosis; Saethre-Chotzen syndrome. Last evaluated: 2025-01-01. Review status: criteria provided, single submitter. Criteria: Invitae Variant Classification Sherloc (09022015). Collection method: clinical testing. Allele origin: germline.
Comment: This sequence change creates a premature translational stop signal (p.Tyr160*) in the TWIST1 gene. It is expected to result in an absent or disrupted protein product. Loss-of-function variants in TWIST1 are known to be pathogenic (PMID: 10749989). This variant is not present in population databases (gnomAD no frequency). This premature translational stop signal has been observed in individual(s) with Saethre-Chotzen syndrome (PMID: 10649491, 31299755). For these reasons, this variant has been classified as Pathogenic.

Literature cited by the submitters: PubMed 10749989; PubMed 10649491; PubMed 31299755.